The following is an entry in ClinVar:

NM_015046.7(SETX):c.3874_3875delinsTT (p.Gly1292Phe)

Gene: SETX (senataxin; minus strand). Cytogenetic location: 9q34.13.
Variant type: Indel.
Coding change: c.3874_3875delinsTT on transcript NM_015046.7 (MANE Select); coding-DNA positions 3874 to 3875, GG replaced by TT.
Protein change: p.Gly1292Phe; replaces glycine 1292 with phenylalanine.
Molecular consequence: missense variant.
Genome position (GRCh38, 1-based): chr9:132,327,723-132,327,724, CC replaced by AA on the plus strand (GG replaced by TT on the coding strand, the reverse complement: SETX is on the minus strand). VCF-style: chr9-132327723-CC-AA. GRCh37 (hg19) VCF-style: chr9-135203110-CC-AA.
Other names: c.3874_3875delinsTT, p.Gly1292Phe (NM_001351527.2, NM_001351528.2); short protein forms G1292F.
Identifiers: ClinVar variation 1735734 (VCV001735734.2), dbSNP rs2539103184, ClinGen allele CA2580079882.

ClinVar aggregate classification (germline): Uncertain significance (1 of 4 stars; one submission).

Conditions:
Inborn genetic diseases. Identifiers: MedGen C0950123, MeSH D030342.

Submission:

Ambry Genetics
Classification: Uncertain significance for Inborn genetic diseases. Last evaluated: 2020-11-06. Review status: criteria provided, single submitter. Criteria: Ambry Variant Classification Scheme 2023. Collection method: clinical testing. Allele origin: germline.
Comment: The c.3874_3875delGGinsTT variant, (also known as p.G1292F), located in coding exon 8 of the SETX gene, results from an in-frame deletion of GG and insertion of TT at nucleotide positions 3874 to 3875. This results in the substitution of the glycine residue for a phenylalanine residue at codon 1292, an amino acid with highly dissimilar properties. This amino acid position is poorly conserved in available vertebrate species. Since supporting evidence is limited at this time, the clinical significance of this alteration remains unclear.